The following is an entry in ClinVar:

ClinVar aggregate classification (germline): Uncertain significance. Review status: criteria provided, multiple submitters, no conflicts (2 of 4 stars). 2 submissions from 2 submitters: Uncertain significance (2). Last evaluated 2025-03-08.

Conditions:
Baller-Gerold syndrome (BGS). Also called: CRANIOSYNOSTOSIS WITH RADIAL DEFECTS. Identifiers: Orphanet 1225, MedGen C0265308, MONDO:0009039, OMIM 218600.
Inborn genetic diseases. Identifiers: MedGen C0950123, MeSH D030342.

gnomAD v4.1: 1 of 1,600,668 alleles (0.000062%); highest among the groups gnomAD compares: Non-Finnish European, 0.000085%; no homozygotes.

Submissions (2):

Ambry Genetics
Classification: Uncertain significance for Inborn genetic diseases. Last evaluated: 2025-03-08. Review status: criteria provided, single submitter. Criteria: Ambry Variant Classification Scheme 2023. Collection method: clinical testing. Allele origin: germline.
Comment: The p.P73R variant (also known as c.218C>G), located in coding exon 4 of the RECQL4 gene, results from a C to G substitution at nucleotide position 218. The proline at codon 73 is replaced by arginine, an amino acid with dissimilar properties. This amino acid position is conserved. In addition, this alteration is predicted to be tolerated by in silico analysis. Based on the available evidence, the clinical significance of this variant remains unclear.

Labcorp Genetics (formerly Invitae), Labcorp
Classification: Uncertain significance for Baller-Gerold syndrome. Last evaluated: 2023-10-27. Review status: criteria provided, single submitter. Criteria: Invitae Variant Classification Sherloc (09022015). Collection method: clinical testing. Allele origin: germline.
Comment: This sequence change replaces proline, which is neutral and non-polar, with arginine, which is basic and polar, at codon 73 of the RECQL4 protein (p.Pro73Arg). This variant is not present in population databases (gnomAD no frequency). This variant has not been reported in the literature in individuals affected with RECQL4-related conditions. ClinVar contains an entry for this variant (Variation ID: 955819). Experimental studies and prediction algorithms are not available or were not evaluated, and the functional significance of this variant is currently unknown. In summary, the available evidence is currently insufficient to determine the role of this variant in disease. Therefore, it has been classified as a Variant of Uncertain Significance.

NM_004260.4(RECQL4):c.218C>G (p.Pro73Arg)

Gene: RECQL4 (RecQ like helicase 4; minus strand). Cytogenetic location: 8q24.3.
Variant type: single nucleotide variant.
Coding change: c.218C>G on transcript NM_004260.4 (MANE Select); coding-DNA position 218, C replaced by G.
Protein change: p.Pro73Arg; replaces proline 73 with arginine.
Molecular consequence: missense variant.
Genome position (GRCh38, 1-based): chr8:144,517,186, G>C on the plus strand (C>G on the coding strand, the complement: RECQL4 is on the minus strand). VCF-style: chr8-144517186-G-C. GRCh37 (hg19) VCF-style: chr8-145742570-G-C.
Other names: short protein forms P73R.
Identifiers: ClinVar variation 955819 (VCV000955819.7), dbSNP rs1815256853, ClinGen allele CA372692386.